The following is an entry in ClinVar:

ClinVar aggregate classification (germline): Uncertain significance. Review status: criteria provided, multiple submitters, no conflicts (2 of 4 stars). 5 submissions from 5 submitters: Uncertain significance (5). Last evaluated 2025-10-01.

Conditions:
Hereditary cancer-predisposing syndrome. Also called: Hereditary neoplastic syndrome; Neoplastic Syndromes, Hereditary; Tumor predisposition; Hereditary Cancer Syndrome. Identifiers: Orphanet 140162, MedGen C0027672, MeSH D009386, MONDO:0015356.
Fanconi anemia complementation group J. Also called: BRIP1-Related Fanconi Anemia. Identifiers: Orphanet 84, MedGen C1836860, MONDO:0012187, OMIM 609054.
Familial cancer of breast. Also called: BREAST CANCER, FAMILIAL; hereditary breast carcinoma; Hereditary breast cancer. Identifiers: Orphanet 227535, MedGen C0346153, MONDO:0016419, OMIM 114480. Disease mechanism: loss of function.

Allele frequency attached by ClinVar (database versions not stated): gnomAD exomes below 0.00001; TOPMed below 0.00001; ExAC 0.00001; ESP Exome Variant Server 0.00008.
gnomAD v4.1: 22 of 1,613,564 alleles (0.0014%); highest among the groups gnomAD compares: Non-Finnish European, 0.0018%; no homozygotes.

Submissions (5):

Labcorp Genetics (formerly Invitae), Labcorp
Classification: Uncertain significance for Familial cancer of breast; Fanconi anemia complementation group J. Last evaluated: 2025-10-01. Review status: criteria provided, single submitter. Criteria: Invitae Variant Classification Sherloc (09022015). Collection method: clinical testing. Allele origin: germline.
Comment: This sequence change replaces valine, which is neutral and non-polar, with alanine, which is neutral and non-polar, at codon 413 of the BRIP1 protein (p.Val413Ala). This variant is present in population databases (rs45576134, gnomAD 0.007%). This variant has not been reported in the literature in individuals affected with BRIP1-related conditions. ClinVar contains an entry for this variant (Variation ID: 461066). Invitae Evidence Modeling of protein sequence and biophysical properties (such as structural, functional, and spatial information, amino acid conservation, physicochemical variation, residue mobility, and thermodynamic stability) indicates that this missense variant is not expected to disrupt BRIP1 protein function with a negative predictive value of 95%. In summary, the available evidence is currently insufficient to determine the role of this variant in disease. Therefore, it has been classified as a Variant of Uncertain Significance.

Ambry Genetics
Classification: Uncertain significance for Hereditary cancer-predisposing syndrome. Last evaluated: 2023-08-25. Review status: criteria provided, single submitter. Criteria: Ambry Variant Classification Scheme 2023. Collection method: clinical testing. Allele origin: germline.
Comment: The p.V413A variant (also known as c.1238T>C), located in coding exon 8 of the BRIP1 gene, results from a T to C substitution at nucleotide position 1238. The valine at codon 413 is replaced by alanine, an amino acid with similar properties. This amino acid position is not well conserved in available vertebrate species. In addition, this alteration is predicted to be tolerated by in silico analysis. Since supporting evidence is limited at this time, the clinical significance of this alteration remains unclear.

Baylor Genetics
Classification: Uncertain significance for Familial cancer of breast. Last evaluated: 2023-05-08. Review status: criteria provided, single submitter. Criteria: ACMG Guidelines, 2015. Collection method: clinical testing. Allele origin: unknown.

GeneDx
Classification: Uncertain significance. Last evaluated: 2023-04-18. Review status: criteria provided, single submitter. Criteria: GeneDx Variant Classification Process June 2021. Collection method: clinical testing. Allele origin: germline. Affected: yes.
Comment: Not observed at significant frequency in large population cohorts (gnomAD); In silico analysis supports that this missense variant does not alter protein structure/function; Has not been previously published as pathogenic or benign to our knowledge; This variant is associated with the following publications: (PMID: 29338072)

Quest Diagnostics Nichols Institute San Juan Capistrano
Classification: Uncertain significance. Last evaluated: 2020-09-14. Review status: criteria provided, single submitter. Criteria: Quest Diagnostics criteria. Collection method: clinical testing. Allele origin: unknown.

NM_032043.3(BRIP1):c.1238T>C (p.Val413Ala)

Gene: BRIP1 (BRCA1 interacting DNA helicase 1; minus strand). Cytogenetic location: 17q23.2.
Variant type: single nucleotide variant.
Coding change: c.1238T>C on transcript NM_032043.3 (MANE Select); coding-DNA position 1238, T replaced by C.
Protein change: p.Val413Ala; replaces valine 413 with alanine.
Molecular consequence: missense variant.
Genome position (GRCh38, 1-based): chr17:61,799,202, A>G on the plus strand (T>C on the coding strand, the complement: BRIP1 is on the minus strand). VCF-style: chr17-61799202-A-G. GRCh37 (hg19) VCF-style: chr17-59876563-A-G.
Other names: short protein forms V413A.
Identifiers: ClinVar variation 461066 (VCV000461066.17), dbSNP rs45576134, ClinGen allele CA8690773.
Genomic context (GRCh38, chr17:61,799,202, plus strand): 5'-TTCTTCCTTATATTATTGTTGACCATACTATCTAGTTCATCCCGAGCAAACCGAAGCTGA[A>G]CTTCTGTTACACTGTAACTTGCTGATTCCCGAGCACAGTCCTCGATGTTATGAGCTTCAT-3'
Protein context (NP_114432.2, residues 403-423): RESASYSVTE[Val413Ala]QLRFARDELD